The following is an entry in ClinVar:

NM_001105206.3(LAMA4):c.1669-3T>C

Gene: LAMA4 (laminin subunit alpha 4; minus strand). Cytogenetic location: 6q21.
Variant type: single nucleotide variant.
Coding change: c.1669-3T>C on transcript NM_001105206.3 (MANE Select); 3 bases into the intron before coding-DNA position 1669, T replaced by C.
Molecular consequence: intron variant.
Genome position (GRCh38, 1-based): chr6:112,158,883, A>G on the plus strand (T>C on the coding strand, the complement: LAMA4 is on the minus strand). VCF-style: chr6-112158883-A-G. GRCh37 (hg19) VCF-style: chr6-112480085-A-G.
Other names: c.1648-3T>C (NM_002290.5, NM_001105207.3).
Identifiers: ClinVar variation 3289943 (VCV003289943.1).
Genomic context (GRCh38, chr6:112,158,883, plus strand): 5'-GTTTTACTTGTAGTTCACTTTTGGCTCCATCTATTTCTGCATAAATCCCTGACGCATTCT[A>G]AAGAAAAAAATTTTAATAAATACATTGAATTTAGAAGAACTTAAAACATTTTTCCTAGGC-3'

ClinVar aggregate classification (germline): Uncertain significance (1 of 4 stars; one submission).

Conditions:
Cardiovascular phenotype. Identifiers: MedGen CN230736.

gnomAD v4.1: 2 of 1,602,360 alleles (0.00012%); highest among the groups gnomAD compares: Non-Finnish European, 0.000085%; no homozygotes.

Submission:

Ambry Genetics
Classification: Uncertain significance for Cardiovascular phenotype. Last evaluated: 2024-05-30. Review status: criteria provided, single submitter. Criteria: Ambry Variant Classification Scheme 2023. Collection method: clinical testing. Allele origin: germline.
Comment: The c.1648-3T>C intronic variant results from a T to C substitution 3 nucleotides upstream from coding exon 13 in the LAMA4 gene. This nucleotide position is not well conserved in available vertebrate species. In silico splice site analysis predicts that this alteration will not have any significant effect on splicing. The evidence for this gene-disease relationship is limited; therefore, the clinical significance of this alteration is unclear.